The following is an entry in ClinVar:

NM_001378454.1(ALMS1):c.3838G>A (p.Ala1280Thr)

Gene: ALMS1 (ALMS1 centrosome and basal body associated protein; plus strand). Cytogenetic location: 2p13.1.
Variant type: single nucleotide variant.
Coding change: c.3838G>A on transcript NM_001378454.1 (MANE Select); coding-DNA position 3838, G replaced by A.
Protein change: p.Ala1280Thr; replaces alanine 1280 with threonine.
Molecular consequence: missense variant.
Genome position (GRCh38, 1-based): chr2:73,450,365, G>A. VCF-style: chr2-73450365-G-A. GRCh37 (hg19) VCF-style: chr2-73677492-G-A.
Other names: c.3841G>A, p.Ala1281Thr (NM_015120.4); short protein forms A1281T, A1280T.
Identifiers: ClinVar variation 554531 (VCV000554531.8), dbSNP rs767729719, ClinGen allele CA1713599.
Genomic context (GRCh38, chr2:73,450,365, plus strand): 5'-GAAGAGGCTCTGAAAATTTCAGTTGCCTCTGAACCAGTTGACCAGACAACTGGCACACCA[G>A]CTGTAACCTCTACTTCCTACTCACAATATAGAGAGAAGCCCAGCATTTTCTACCAACAGT-3'
Protein context (NP_001365383.1, residues 1270-1290): EPVDQTTGTP[Ala1280Thr]VTSTSYSQYR

ClinVar aggregate classification (germline): Uncertain significance. Review status: criteria provided, multiple submitters, no conflicts (2 of 4 stars). 4 submissions from 4 submitters: Uncertain significance (3). 1 of the submissions does not count toward it. Last evaluated 2025-08-07.

Conditions:
Alstrom syndrome (ALMS). Identifiers: Orphanet 64, MedGen C0268425, MONDO:0008763, OMIM 203800.

Allele frequency attached by ClinVar (database versions not stated): ExAC 0.00001.

Submissions (4):

GeneDx
Classification: Uncertain significance. Last evaluated: 2025-08-07. Review status: criteria provided, single submitter. Criteria: GeneDx Variant Classification Process June 2021. Collection method: clinical testing. Allele origin: germline. Affected: yes.
Comment: Not observed at significant frequency in large population cohorts (gnomAD); In silico analysis suggests that this missense variant does not alter protein structure/function; Has not been previously published as pathogenic or benign to our knowledge

Genome-Nilou Lab
Classification: Uncertain significance for Alstrom syndrome. Last evaluated: 2021-05-18. Review status: criteria provided, single submitter. Criteria: ACMG Guidelines, 2015. Collection method: clinical testing. Allele origin: germline. Affected: no.

Labcorp Genetics (formerly Invitae), Labcorp
Classification: Uncertain significance for Alstrom syndrome. Last evaluated: 2021-03-28. Review status: criteria provided, single submitter. Criteria: Invitae Variant Classification Sherloc (09022015). Collection method: clinical testing. Allele origin: germline.
Comment: This sequence change replaces alanine with threonine at codon 1281 of the ALMS1 protein (p.Ala1281Thr). The alanine residue is weakly conserved and there is a small physicochemical difference between alanine and threonine. The frequency data for this variant in the population databases is considered unreliable, as metrics indicate poor data quality at this position in the ExAC database. This variant has not been reported in the literature in individuals with ALMS1-related conditions. ClinVar contains an entry for this variant (Variation ID: 554531). Experimental studies and prediction algorithms are not available or were not evaluated, and the functional significance of this variant is currently unknown. In summary, the available evidence is currently insufficient to determine the role of this variant in disease. Therefore, it has been classified as a Variant of Uncertain Significance.

Counsyl
Classification: Uncertain significance for Alstrom syndrome. Last evaluated: 2017-10-24. Review status: no assertion criteria provided. Collection method: clinical testing. Allele origin: unknown. Not counted in ClinVar's aggregate classification.